The following is an entry in ClinVar:

ClinVar aggregate classification (germline): Uncertain significance. Review status: criteria provided, multiple submitters, no conflicts (2 of 4 stars). 3 submissions from 3 submitters: Uncertain significance (3). Last evaluated 2026-06-11.

Conditions:
Cystic fibrosis (CF). Also called: MUCOVISCIDOSIS. Identifiers: Orphanet 586, MedGen C0010674, MONDO:0009061, OMIM 219700. Disease mechanism: loss of function.

Allele frequency attached by ClinVar (database versions not stated): gnomAD exomes below 0.00001; ExAC 0.00001.
gnomAD v4.1: 2 of 1,578,728 alleles (0.00013%); highest among the groups gnomAD compares: Admixed American, 0.0037%; no homozygotes.

Submissions (3):

Ambry Genetics
Classification: Uncertain significance for Cystic fibrosis. Last evaluated: 2026-06-11. Review status: criteria provided, single submitter. Criteria: Ambry Variant Classification Scheme 2023. Collection method: clinical testing. Allele origin: germline.
Comment: The p.C592Y variant (also known as c.1775G>A), located in coding exon 14 of the CFTR gene, results from a G to A substitution at nucleotide position 1775. The cysteine at codon 592 is replaced by tyrosine, an amino acid with highly dissimilar properties. This amino acid position is highly conserved in available vertebrate species. In addition, this alteration is predicted to be deleterious by in silico analysis. Based on the available evidence, the clinical significance of this variant remains unclear.

Labcorp Genetics (formerly Invitae), Labcorp
Classification: Uncertain significance for Cystic fibrosis. Last evaluated: 2023-11-27. Review status: criteria provided, single submitter. Criteria: Invitae Variant Classification Sherloc (09022015). Collection method: clinical testing. Allele origin: germline.
Comment: This sequence change replaces cysteine, which is neutral and slightly polar, with tyrosine, which is neutral and polar, at codon 592 of the CFTR protein (p.Cys592Tyr). The frequency data for this variant in the population databases is considered unreliable, as metrics indicate poor data quality at this position in the gnomAD database. This missense change has been observed in individual(s) with CFTR-related conditions (PMID: 23837941). Advanced modeling of protein sequence and biophysical properties (such as structural, functional, and spatial information, amino acid conservation, physicochemical variation, residue mobility, and thermodynamic stability) performed at Invitae indicates that this missense variant is expected to disrupt CFTR protein function with a positive predictive value of 80%. In summary, the available evidence is currently insufficient to determine the role of this variant in disease. Therefore, it has been classified as a Variant of Uncertain Significance.

Women's Health and Genetics/Laboratory Corporation of America, LabCorp
Classification: Uncertain significance. Last evaluated: 2023-10-02. Review status: criteria provided, single submitter. Criteria: LabCorp Variant Classification Summary - May 2015. Collection method: clinical testing. Allele origin: germline.
Comment: Variant summary: CFTR c.1775G>A (p.Cys592Tyr) results in a non-conservative amino acid change located in the ABC transporter-like, ATP-binding domain of the encoded protein sequence. Four of four in-silico tools predict a damaging effect of the variant on protein function. The variant allele was found at a frequency of 8.6e-06 in 232184 control chromosomes. The available data on variant occurrences in the general population are insufficient to allow any conclusion about variant significance. c.1775G>A has been reported in the literature in an individual affected with CF-type disease, without strong evidence for causality (Ramos_2013). This report does not provide unequivocal conclusions about association of the variant with Cystic Fibrosis. To our knowledge, no experimental evidence demonstrating an impact on protein function has been reported. No submitters have cited clinical-significance assessments for this variant to ClinVar after 2014. Based on the evidence outlined above, the variant was classified as uncertain significance.

Literature cited by the submitters: PubMed 23837941 (cited by Labcorp Genetics (formerly Invitae), Labcorp and Women's Health and Genetics/Laboratory Corporation of America, LabCorp).

NM_000492.4(CFTR):c.1775G>A (p.Cys592Tyr)

Gene: CFTR (CF transmembrane conductance regulator; plus strand). Cytogenetic location: 7q31.2.
Variant type: single nucleotide variant.
Coding change: c.1775G>A on transcript NM_000492.4 (MANE Select); coding-DNA position 1775, G replaced by A.
Protein change: p.Cys592Tyr; replaces cysteine 592 with tyrosine.
Molecular consequence: missense variant.
Genome position (GRCh38, 1-based): chr7:117,591,942, G>A. VCF-style: chr7-117591942-G-A. GRCh37 (hg19) VCF-style: chr7-117231996-G-A.
Other names: short protein forms C592Y.
Identifiers: ClinVar variation 2637646 (VCV002637646.5), dbSNP rs767117028, ClinGen allele CA4451093.